The following is an entry in ClinVar:

NM_022725.4(FANCF):c.866T>C (p.Leu289Pro)

Gene: FANCF (FA complementation group F; minus strand). Cytogenetic location: 11p14.3.
Variant type: single nucleotide variant.
Coding change: c.866T>C on transcript NM_022725.4 (MANE Select); coding-DNA position 866, T replaced by C.
Protein change: p.Leu289Pro; replaces leucine 289 with proline.
Molecular consequence: missense variant.
Genome position (GRCh38, 1-based): chr11:22,624,945, A>G on the plus strand (T>C on the coding strand, the complement: FANCF is on the minus strand). VCF-style: chr11-22624945-A-G. GRCh37 (hg19) VCF-style: chr11-22646491-A-G.
Other names: short protein forms L289P.
Identifiers: ClinVar variation 1409289 (VCV001409289.6), dbSNP rs1177443868, ClinGen allele CA380058170.

ClinVar aggregate classification (germline): Uncertain significance (1 of 4 stars; one submission).

Conditions:
Fanconi anemia (FA). Also called: Fanconi's anemia. Identifiers: Orphanet 84, MedGen C0015625, MeSH D005199, MONDO:0019391.

gnomAD v4.1: 2 of 1,614,190 alleles (0.00012%); highest among the groups gnomAD compares: Non-Finnish European, 0.00017%; no homozygotes.

Submission:

Labcorp Genetics (formerly Invitae), Labcorp
Classification: Uncertain significance for Fanconi anemia. Last evaluated: 2022-01-01. Review status: criteria provided, single submitter. Criteria: Invitae Variant Classification Sherloc (09022015). Collection method: clinical testing. Allele origin: germline.
Comment: This sequence change replaces leucine, which is neutral and non-polar, with proline, which is neutral and non-polar, at codon 289 of the FANCF protein (p.Leu289Pro). In summary, the available evidence is currently insufficient to determine the role of this variant in disease. Therefore, it has been classified as a Variant of Uncertain Significance. Algorithms developed to predict the effect of missense changes on protein structure and function (SIFT, PolyPhen-2, Align-GVGD) all suggest that this variant is likely to be tolerated. This variant has not been reported in the literature in individuals affected with FANCF-related conditions. This variant is not present in population databases (gnomAD no frequency).